The following is an entry in ClinVar:

ClinVar aggregate classification (germline): Uncertain significance. Review status: criteria provided, multiple submitters, no conflicts (2 of 4 stars). 3 submissions from 3 submitters: Uncertain significance (3). Last evaluated 2025-11-05.

Conditions:
Charcot-Marie-Tooth disease type 2. Also called: Charcot-Marie-Tooth type 2. Identifiers: Orphanet 64746, MedGen C0270914, MONDO:0018993.
Neuroblastoma, susceptibility to, 1. Identifiers: MedGen C2749485, MONDO:0009741, OMIM 256700.
Charcot-Marie-Tooth disease type 2A1. Also called: CHARCOT-MARIE-TOOTH DISEASE, AXONAL, TYPE 2A1; CHARCOT-MARIE-TOOTH DISEASE, AXONAL, AUTOSOMAL DOMINANT, TYPE 2A1; CHARCOT-MARIE-TOOTH DISEASE, NEURONAL, TYPE 2A1; CHARCOT-MARIE-TOOTH NEUROPATHY, TYPE 2A1; HEREDITARY MOTOR AND SENSORY NEUROPATHY IIA1. Identifiers: Orphanet 99946, MedGen C1861678, MONDO:0007308, OMIM 118210.

Allele frequency attached by ClinVar (database versions not stated): gnomAD 0.00002; gnomAD exomes 0.00001; TOPMed 0.00001.
gnomAD v4.1: 15 of 1,614,028 alleles (0.00093%); highest among the groups gnomAD compares: Non-Finnish European, 0.0012%; no homozygotes.

Submissions (3):

Labcorp Genetics (formerly Invitae), Labcorp
Classification: Uncertain significance for Charcot-Marie-Tooth disease type 2. Last evaluated: 2025-11-05. Review status: criteria provided, single submitter. Criteria: Invitae Variant Classification Sherloc (09022015). Collection method: clinical testing. Allele origin: germline.
Comment: This sequence change affects an acceptor splice site in intron 12 of the KIF1B gene. It is expected to disrupt RNA splicing. Variants that disrupt the donor or acceptor splice site typically lead to a loss of protein function (PMID: 16199547), however the current clinical and genetic evidence is not sufficient to establish whether loss-of-function variants in KIF1B cause disease. This variant is present in population databases (rs775090163, gnomAD 0.002%). This variant has not been reported in the literature in individuals affected with KIF1B-related conditions. ClinVar contains an entry for this variant (Variation ID: 1737388). Algorithms developed to predict the effect of sequence changes on RNA splicing suggest that this variant may disrupt the consensus splice site. In summary, the available evidence is currently insufficient to determine the role of this variant in disease. Therefore, it has been classified as a Variant of Uncertain Significance.

Fulgent Genetics
Classification: Uncertain significance for Charcot-Marie-Tooth disease type 2A1; Neuroblastoma, susceptibility to, 1. Last evaluated: 2024-06-18. Review status: criteria provided, single submitter. Criteria: ACMG Guidelines, 2015. Collection method: clinical testing. Allele origin: germline.

Ambry Genetics
Classification: Uncertain significance. Last evaluated: 2023-03-30. Review status: criteria provided, single submitter. Criteria: Ambry Variant Classification Scheme 2023. Collection method: clinical testing. Allele origin: germline.
Comment: The c.1163-1G>A intronic variant results from a G to A substitution one nucleotide upstream from coding exon 12 of the KIF1B gene. This nucleotide position is highly conserved in available vertebrate species. In silico splice site analysis predicts that this alteration will weaken the native splice acceptor site. Alterations that disrupt the canonical splice site are expected to cause aberrant splicing, resulting in an abnormal protein or a transcript that is subject to nonsense-mediated mRNA decay. However, the evidence for this gene-disease relationship is limited; therefore, the clinical significance of this alteration is unclear.

Literature cited by the submitters: PubMed 16199547 (cited by Labcorp Genetics (formerly Invitae), Labcorp).

NM_001365951.3(KIF1B):c.1300G>A (p.Ala434Thr)

Gene: KIF1B (kinesin family member 1B; plus strand). Cytogenetic location: 1p36.22.
Variant type: single nucleotide variant.
Coding change: c.1300G>A on transcript NM_001365951.3 (MANE Select); coding-DNA position 1300, G replaced by A.
Protein change: p.Ala434Thr; replaces alanine 434 with threonine.
Molecular consequence: missense variant. On other transcripts: splice acceptor variant (3).
Genome position (GRCh38, 1-based): chr1:10,282,399, G>A. VCF-style: chr1-10282399-G-A. GRCh37 (hg19) VCF-style: chr1-10342457-G-A.
Other names: c.1300G>A, p.Ala434Thr (NM_001365952.1); c.1163-1G>A (NM_183416.4, NM_015074.3, NM_001365953.1); short protein forms A434T.
Identifiers: ClinVar variation 1737388 (VCV001737388.9), dbSNP rs775090163, ClinGen allele CA17841937.